The following is an entry in ClinVar:

ClinVar aggregate classification (germline): Uncertain significance (1 of 4 stars; one submission).

Allele frequency attached by ClinVar (database versions not stated): ExAC 0.00001; TOPMed 0.00003; gnomAD 0.00005.
gnomAD v4.1: 27 of 1,610,418 alleles (0.0017%); highest among the groups gnomAD compares: East Asian, 0.016%; no homozygotes.

Submission:

Labcorp Genetics (formerly Invitae), Labcorp
Classification: Uncertain significance. Last evaluated: 2023-08-04. Review status: criteria provided, single submitter. Criteria: Invitae Variant Classification Sherloc (09022015). Collection method: clinical testing. Allele origin: germline.
Comment: This sequence change replaces alanine, which is neutral and non-polar, with valine, which is neutral and non-polar, at codon 1137 of the LAMC3 protein (p.Ala1137Val). The frequency data for this variant in the population databases is considered unreliable, as metrics indicate poor data quality at this position in the gnomAD database. This variant has not been reported in the literature in individuals affected with LAMC3-related conditions. ClinVar contains an entry for this variant (Variation ID: 1917675). An algorithm developed to predict the effect of missense changes on protein structure and function (PolyPhen-2) suggests that this variant¬†is likely to be tolerated. In summary, the available evidence is currently insufficient to determine the role of this variant in disease. Therefore, it has been classified as a Variant of Uncertain Significance.

NM_006059.4(LAMC3):c.3410C>T (p.Ala1137Val)

Gene: LAMC3 (laminin subunit gamma 3; plus strand). Cytogenetic location: 9q34.12.
Variant type: single nucleotide variant.
Coding change: c.3410C>T on transcript NM_006059.4 (MANE Select); coding-DNA position 3410, C replaced by T.
Protein change: p.Ala1137Val; replaces alanine 1137 with valine.
Molecular consequence: missense variant.
Genome position (GRCh38, 1-based): chr9:131,072,828, C>T. VCF-style: chr9-131072828-C-T. GRCh37 (hg19) VCF-style: chr9-133948215-C-T.
Other names: short protein forms A1137V.
Identifiers: ClinVar variation 1917675 (VCV001917675.3), dbSNP rs773899562, ClinGen allele CA5287772.